The following is an entry in ClinVar:

NM_001466.4(FZD2):c.304G>A (p.Val102Met)

Gene: FZD2 (frizzled class receptor 2; plus strand). Cytogenetic location: 17q21.31.
Variant type: single nucleotide variant.
Coding change: c.304G>A on transcript NM_001466.4 (MANE Select); coding-DNA position 304, G replaced by A.
Protein change: p.Val102Met; replaces valine 102 with methionine.
Molecular consequence: missense variant.
Genome position (GRCh38, 1-based): chr17:44,557,992, G>A. VCF-style: chr17-44557992-G-A. GRCh37 (hg19) VCF-style: chr17-42635360-G-A.
Other names: c.304G>A (NM_001466.3); short protein forms V102M.
Identifiers: ClinVar variation 3668019 (VCV003668019.3).
Genomic context (GRCh38, chr17:44,557,992, plus strand): 5'-GTGCAGTGCTCGCCCGAACTGCGCTTCTTCCTGTGCTCCATGTACGCACCCGTGTGCACC[G>A]TGCTGGAACAGGCCATCCCGCCGTGCCGCTCTATCTGTGAGCGCGCGCGCCAGGGCTGCG-3'
Protein context (NP_001457.1, residues 92-112): LCSMYAPVCT[Val102Met]LEQAIPPCRS

ClinVar aggregate classification (germline): Uncertain significance. Review status: criteria provided, multiple submitters, no conflicts (2 of 4 stars). 2 submissions from 2 submitters: Uncertain significance (2). Last evaluated 2025-04-03.

gnomAD v4.1: 1 of 1,613,974 alleles (0.000062%); highest among the groups gnomAD compares: Non-Finnish European, 0.000085%; no homozygotes.

Submissions (2):

Ambry Genetics
Classification: Uncertain significance. Last evaluated: 2025-04-03. Review status: criteria provided, single submitter. Criteria: Ambry Variant Classification Scheme 2023. Collection method: clinical testing. Allele origin: germline.

Labcorp Genetics (formerly Invitae), Labcorp
Classification: Uncertain significance. Last evaluated: 2024-12-05. Review status: criteria provided, single submitter. Criteria: Invitae Variant Classification Sherloc (09022015). Collection method: clinical testing. Allele origin: germline.
Comment: This sequence change replaces valine, which is neutral and non-polar, with methionine, which is neutral and non-polar, at codon 102 of the FZD2 protein (p.Val102Met). This variant is not present in population databases (gnomAD no frequency). This variant has not been reported in the literature in individuals affected with FZD2-related conditions. Invitae Evidence Modeling of protein sequence and biophysical properties (such as structural, functional, and spatial information, amino acid conservation, physicochemical variation, residue mobility, and thermodynamic stability) indicates that this missense variant is not expected to disrupt FZD2 protein function with a negative predictive value of 80%. In summary, the available evidence is currently insufficient to determine the role of this variant in disease. Therefore, it has been classified as a Variant of Uncertain Significance.